The following is an entry in ClinVar:

NM_003803.4(MYOM1):c.2129T>G (p.Phe710Cys)

Gene: MYOM1 (myomesin 1; minus strand). Cytogenetic location: 18p11.31.
Variant type: single nucleotide variant.
Coding change: c.2129T>G on transcript NM_003803.4 (MANE Select); coding-DNA position 2129, T replaced by G.
Protein change: p.Phe710Cys; replaces phenylalanine 710 with cysteine.
Molecular consequence: missense variant.
Genome position (GRCh38, 1-based): chr18:3,135,627, A>C on the plus strand (T>G on the coding strand, the complement: MYOM1 is on the minus strand). VCF-style: chr18-3135627-A-C. GRCh37 (hg19) VCF-style: chr18-3135625-A-C.
Other names: c.2129T>G, p.Phe710Cys (NM_019856.2); short protein forms F710C.
Identifiers: ClinVar variation 2589035 (VCV002589035.3), dbSNP rs773184738, ClinGen allele CA8874737.

ClinVar aggregate classification (germline): Uncertain significance. Review status: criteria provided, multiple submitters, no conflicts (2 of 4 stars). 2 submissions from 2 submitters: Uncertain significance (2). Last evaluated 2025-10-11.

Conditions:
Hypertrophic cardiomyopathy. Also called: HYPERTROPHIC MYOCARDIOPATHY. Identifiers: Orphanet 217569, MedGen C0007194, MeSH D002312, MONDO:0005045, HP:0001639.

Allele frequency attached by ClinVar (database versions not stated): ExAC 0.00001; gnomAD 0.00001; gnomAD exomes 0.00002; TOPMed 0.00002.
gnomAD v4.1: 29 of 1,613,822 alleles (0.0018%); highest among the groups gnomAD compares: Non-Finnish European, 0.0025%; no homozygotes.

Submissions (2):

Labcorp Genetics (formerly Invitae), Labcorp
Classification: Uncertain significance for Hypertrophic cardiomyopathy. Last evaluated: 2025-10-11. Review status: criteria provided, single submitter. Criteria: Invitae Variant Classification Sherloc (09022015). Collection method: clinical testing. Allele origin: germline.
Comment: This sequence change replaces phenylalanine, which is neutral and non-polar, with cysteine, which is neutral and slightly polar, at codon 710 of the MYOM1 protein (p.Phe710Cys). This variant is present in population databases (rs773184738, gnomAD 0.002%). This variant has not been reported in the literature in individuals affected with MYOM1-related conditions. ClinVar contains an entry for this variant (Variation ID: 2589035). Invitae Evidence Modeling of protein sequence and biophysical properties (such as structural, functional, and spatial information, amino acid conservation, physicochemical variation, residue mobility, and thermodynamic stability) indicates that this missense variant is expected to disrupt MYOM1 protein function with a positive predictive value of 80%. In summary, the available evidence is currently insufficient to determine the role of this variant in disease. Therefore, it has been classified as a Variant of Uncertain Significance.

Ambry Genetics
Classification: Uncertain significance. Last evaluated: 2023-07-24. Review status: criteria provided, single submitter. Criteria: Ambry Variant Classification Scheme 2023. Collection method: clinical testing. Allele origin: germline.
Comment: The p.F710C variant (also known as c.2129T>G), located in coding exon 14 of the MYOM1 gene, results from a T to G substitution at nucleotide position 2129. The phenylalanine at codon 710 is replaced by cysteine, an amino acid with highly dissimilar properties. This amino acid position is conserved. In addition, this alteration is predicted to be deleterious by in silico analysis. Since supporting evidence is limited at this time, the clinical significance of this alteration remains unclear.